The following is an entry in ClinVar:

ClinVar aggregate classification (germline): Conflicting classifications of pathogenicity. Review status: criteria provided, conflicting classifications (1 of 4 stars). 2 submissions from 2 submitters: Uncertain significance (1); Likely benign (1). Last evaluated 2024-03-15.

Allele frequency attached by ClinVar (database versions not stated): gnomAD exomes 0.00011; gnomAD 0.00018; ESP Exome Variant Server 0.00019; 1000 Genomes Project 0.00026; 1000 Genomes Project 30x 0.00042.
gnomAD v4.1: 142 of 1,210,777 alleles (0.012%); highest among the groups gnomAD compares: Admixed American, 0.065%; no homozygotes.

Submissions (2):

Ambry Genetics
Classification: Uncertain significance. Last evaluated: 2024-03-15. Review status: criteria provided, single submitter. Criteria: Ambry Variant Classification Scheme 2023. Collection method: clinical testing. Allele origin: germline.

CeGaT Center for Human Genetics Tuebingen
Classification: Likely benign. Last evaluated: 2022-10-01. Review status: criteria provided, single submitter. Criteria: CeGaT Center For Human Genetics Tuebingen Variant Classification Criteria Version 2. Collection method: clinical testing. Allele origin: germline. Affected: yes. Observed: 1 variant allele.
Comment: STARD8: BP4, BS2

NM_001142503.3(STARD8):c.746G>A (p.Arg249His)

Gene: STARD8 (StAR related lipid transfer domain containing 8; plus strand). Cytogenetic location: Xq13.1.
Variant type: single nucleotide variant.
Coding change: c.746G>A on transcript NM_001142503.3 (MANE Select); coding-DNA position 746, G replaced by A.
Protein change: p.Arg249His; replaces arginine 249 with histidine.
Molecular consequence: missense variant.
Genome position (GRCh38, 1-based): chrX:68,717,660, G>A. VCF-style: chrX-68717660-G-A. GRCh37 (hg19) VCF-style: chrX-67937502-G-A.
Other names: c.746G>A (NM_001142503.2); c.506G>A, p.Arg169His (NM_001142504.3, NM_014725.5); short protein forms R169H, R249H.
Identifiers: ClinVar variation 2660786 (VCV002660786.25), dbSNP rs141485067, ClinGen allele CA10437527.
Genomic context (GRCh38, chrX:68,717,660, plus strand): 5'-CCAAGCATAGTCCAGCCACCTCAGAGAAGGTCTCCAAAGCCTCATCTTTCCGCAGTTGTC[G>A]TGGCTTCCTCTCAGCTGGATTTTACAGGGCCAAGAACTGGGCCGCCACCTCAGCCGGTGG-3'
Protein context (NP_001135975.1, residues 239-259): VSKASSFRSC[Arg249His]GFLSAGFYRA